The following is an entry in ClinVar:

NM_020975.6(RET):c.406G>A (p.Glu136Lys)

Gene: RET (ret proto-oncogene; plus strand). Cytogenetic location: 10q11.21.
Variant type: single nucleotide variant.
Coding change: c.406G>A on transcript NM_020975.6 (MANE Select); coding-DNA position 406, G replaced by A.
Protein change: p.Glu136Lys; replaces glutamic acid 136 with lysine.
Molecular consequence: missense variant.
Genome position (GRCh38, 1-based): chr10:43,102,410, G>A. VCF-style: chr10-43102410-G-A. GRCh37 (hg19) VCF-style: chr10-43597858-G-A.
Other names: c.406G>A, p.Glu136Lys (NM_000323.2, NM_001406743.1, NM_001406744.1 and 16 more transcripts); c.406G>A (NM_020630.5); short protein forms E136K.
Identifiers: ClinVar variation 216727 (VCV000216727.31), dbSNP rs79014735, ClinGen allele CA043648.

ClinVar aggregate classification (germline): Conflicting classifications of pathogenicity. Review status: criteria provided, conflicting classifications (1 of 4 stars). 13 submissions from 13 submitters: Uncertain significance (8); Benign (1); Likely benign (2). 2 of the submissions do not count toward it. Last evaluated 2026-02-11.

Conditions:
Pheochromocytoma. Also called: MAX-Related Hereditary Paraganglioma-Pheochromocytoma Syndrome. Identifiers: Orphanet 29072, MedGen C0031511, MONDO:0008233, OMIM 171300, HP:0002666.
Hirschsprung disease, susceptibility to, 1 (HSCR1). Also called: RET-Related Hirschsprung Disease. Identifiers: Orphanet 388, MedGen C3888239, MONDO:0007723, OMIM 142623.
Familial medullary thyroid carcinoma (MTC). Also called: Thyroid cancer, familial medullary; MTC, familial; Familial Medullary Thyroid Carcinoma (FMTC). Identifiers: Orphanet 653, Orphanet 99361, MedGen C1833921, MONDO:0007958, OMIM 155240.
Multiple endocrine neoplasia type 2B. Also called: WAGENMANN-FROBOESE SYNDROME; MULTIPLE ENDOCRINE NEOPLASIA, TYPE III; MEN 2B; MUCOSAL NEUROMA SYNDROME; MULTIPLE ENDOCRINE NEOPLASIA, TYPE IIB; MEN IIB. Identifiers: Orphanet 247709, Orphanet 653, MedGen C0025269, MeSH D018814, MONDO:0008082, OMIM 162300.
Multiple endocrine neoplasia type 2A. Also called: MULTIPLE ENDOCRINE NEOPLASIA, TYPE IIA; PTC SYNDROME; SIPPLE SYNDROME; MEN 2A; MEN-2A syndrome; Pheochromocytoma and amyloid producing medullary thyroid carcinoma. Identifiers: Orphanet 247698, Orphanet 653, MedGen C0025268, MeSH D018813, MONDO:0008234, OMIM 171400.
RET-related disorder. Also called: RET-related disorders; RET-related condition; RET-related disease.
Hereditary cancer-predisposing syndrome. Also called: Tumor predisposition; Hereditary neoplastic syndrome; Neoplastic Syndromes, Hereditary; Hereditary Cancer Syndrome. Identifiers: Orphanet 140162, MedGen C0027672, MeSH D009386, MONDO:0015356.
Ovarian cancer. Also called: OVARIAN CANCER, SOMATIC. Identifiers: Orphanet 213500, MedGen C1140680, MONDO:0008170, OMIM 167000.
Multiple endocrine neoplasia, type 2 (MEN2). Identifiers: Orphanet 653, MedGen C4048306, MONDO:0019003. Disease mechanism: gain of function.

Allele frequency attached by ClinVar (database versions not stated): gnomAD 0.00002 and 0.00004; gnomAD exomes 0.00003 and 0.00009; TOPMed 0.00003; ExAC 0.00008; 1000 Genomes Project 30x 0.00031.
gnomAD v4.1: 55 of 1,614,238 alleles (0.0034%); highest among the groups gnomAD compares: Admixed American, 0.023%; no homozygotes.

Submissions (13):

St. Jude Molecular Pathology, St. Jude Children's Research Hospital
Classification: Uncertain significance for Multiple endocrine neoplasia type 2A. Last evaluated: 2026-02-11. Review status: criteria provided, single submitter. Criteria: St. Jude Assertion Criteria 2020. Collection method: clinical testing. Allele origin: germline.
Comment: The RET c.406G>A p.(Glu136Lys) missense change has a maximum subpopulation frequency of 0.032% in gnomAD v2.1.1. The in silico tool REVEL is inconclusive about a pathogenic or benign effect of this variant on protein function. To our knowledge, this variant has not been reported in the literature in individuals with multiple endocrine neoplasia type II. In summary, the evidence currently available is insufficient to determine the clinical significance of this variant. It has therefore been classified as of uncertain significance.

Labcorp Genetics (formerly Invitae), Labcorp
Classification: Uncertain significance for Multiple endocrine neoplasia, type 2. Last evaluated: 2026-01-26. Review status: criteria provided, single submitter. Criteria: Invitae Variant Classification Sherloc (09022015). Collection method: clinical testing. Allele origin: germline.
Comment: This sequence change replaces glutamic acid, which is acidic and polar, with lysine, which is basic and polar, at codon 136 of the RET protein (p.Glu136Lys). This variant is present in population databases (rs79014735, gnomAD 0.03%). This variant has not been reported in the literature in individuals affected with RET-related conditions. ClinVar contains an entry for this variant (Variation ID: 216727). An algorithm developed to predict the effect of missense changes on protein structure and function (PolyPhen-2) suggests that this variant is likely to be tolerated. In summary, the available evidence is currently insufficient to determine the role of this variant in disease. Therefore, it has been classified as a Variant of Uncertain Significance.

PreventionGenetics, part of Exact Sciences
Classification: Uncertain significance for RET-related condition. Last evaluated: 2025-11-23. Review status: criteria provided, single submitter. Criteria: ACMG Guidelines, 2015. Collection method: clinical testing. Allele origin: germline.
Comment: The RET c.406G>A variant is predicted to result in the amino acid substitution p.Glu136Lys. This variant has been reported in a breast cancer specimen from the The Cancer Genome Atlas (TGCA; Table S9, Yehia et al. 2018. PubMed ID: 29684080). This variant has been reported in a control individual from a cutaneous melanoma cohort study (Supplement, Pritchard et al. 2018. PubMed ID: 29641532). This variant is reported in 0.032% of alleles in individuals of Latino descent in gnomAD. It is interpreted as uncertain significance by the vast majority of submitters in ClinVar (Variation ID: 216727). At this time, the clinical significance of this variant is uncertain due to the absence of conclusive functional and genetic evidence.

GeneDx
Classification: Uncertain significance. Last evaluated: 2025-04-09. Review status: criteria provided, single submitter. Criteria: GeneDx Variant Classification Process June 2021. Collection method: clinical testing. Allele origin: germline.
Comment: In silico analysis indicates that this missense variant does not alter protein structure/function; This variant is associated with the following publications: (PMID: 14633923, 29684080, BhatiS2016[article], 29641532, 39027568)

All of Us Research Program, National Institutes of Health
Classification: Uncertain significance for Multiple endocrine neoplasia, type 2. Last evaluated: 2024-09-26. Review status: criteria provided, single submitter. Criteria: ACMG Guidelines, 2015. Collection method: clinical testing. Allele origin: germline. Inheritance: Autosomal dominant inheritance. Observed: 10 variant alleles, 10 heterozygotes.
Comment: This missense variant replaces glutamic acid with lysine at codon 136 of the RET protein. Computational prediction suggests that this variant may not impact protein structure and function (internally defined REVEL score threshold <= 0.5, PMID: 27666373). To our knowledge, functional studies have not been reported for this variant. This variant has not been reported in individuals affected with RET-related disorders in the literature, but was identified in a healthy control individual (PMID: 29641532). This variant has been identified in 22/251406 chromosomes in the general population by the Genome Aggregation Database (gnomAD). The available evidence is insufficient to determine the role of this variant in disease conclusively. Therefore, this variant is classified as a Variant of Uncertain Significance.

This study involves interpretation of variants in research participants for the purpose of population health screening. Participant phenotype was not available at the time of variant classification. Additional details can be found in publication PMID: 35346344, PMCID: PMC8962531

Color Diagnostics, LLC DBA Color Health
Classification: Uncertain significance for Multiple endocrine neoplasia, type 2. Last evaluated: 2024-07-24. Review status: criteria provided, single submitter. Criteria: ACMG Guidelines, 2015. Collection method: clinical testing. Allele origin: germline.
Comment: This missense variant replaces glutamic acid with lysine at codon 136 of the RET protein. Computational prediction suggests that this variant may not impact protein structure and function. To our knowledge, functional studies have not been reported for this variant. This variant has not been reported in individuals affected with RET-related disorders in the literature, but was identified in a healthy control individual (PMID: 29641532). This variant has been identified in 22/251406 chromosomes in the general population by the Genome Aggregation Database (gnomAD). The available evidence is insufficient to determine the role of this variant in disease conclusively. Therefore, this variant is classified as a Variant of Uncertain Significance.

Quest Diagnostics Nichols Institute San Juan Capistrano
Classification: Uncertain significance. Last evaluated: 2024-05-17. Review status: criteria provided, single submitter. Criteria: Quest Diagnostics criteria. Collection method: clinical testing. Allele origin: unknown.

Fulgent Genetics
Classification: Likely benign for Hirschsprung disease, susceptibility to, 1; Familial medullary thyroid carcinoma; Multiple endocrine neoplasia type 2B; Pheochromocytoma; Multiple endocrine neoplasia type 2A. Last evaluated: 2024-04-25. Review status: criteria provided, single submitter. Criteria: ACMG Guidelines, 2015. Collection method: clinical testing. Allele origin: germline.

Ambry Genetics
Classification: Likely benign for Hereditary cancer-predisposing syndrome. Last evaluated: 2023-07-12. Review status: criteria provided, single submitter. Criteria: Ambry Variant Classification Scheme 2023. Collection method: clinical testing. Allele origin: germline.

Baylor Genetics
Classification: Uncertain significance for Hirschsprung disease, susceptibility to, 1. Last evaluated: 2023-06-30. Review status: criteria provided, single submitter. Criteria: ACMG Guidelines, 2015. Collection method: clinical testing. Allele origin: unknown.

Laboratory of Molecular Epidemiology of Birth Defects, West China Second University Hospital, Sichuan University
Classification: Benign for Ovarian cancer. Last evaluated: 2022-01-01. Review status: criteria provided, single submitter. Criteria: ACMG Guidelines, 2015. Collection method: clinical testing. Allele origin: germline. Affected: yes.

Counsyl
Classification: Uncertain significance for Multiple endocrine neoplasia type 2A. Last evaluated: 2017-01-04. Review status: no assertion criteria provided. Collection method: clinical testing. Allele origin: unknown. Not counted in ClinVar's aggregate classification.

Clinical Molecular Genetics Laboratory, Johns Hopkins All Children's Hospital
Classification: Uncertain significance. Last evaluated: 2011-03-18. Review status: no assertion criteria provided. Collection method: clinical testing. Allele origin: germline. Not counted in ClinVar's aggregate classification.

Literature cited by the submitters: PubMed 29641532 (cited by 4 submitters); PubMed 29684080 (cited by Quest Diagnostics Nichols Institute San Juan Capistrano and Ambry Genetics).